The following is an entry in ClinVar:

NM_003823.4(TNFRSF6B):c.625GAG[1] (p.Glu210del)

Genes: RTEL1-TNFRSF6B (RTEL1-TNFRSF6B readthrough (NMD candidate); plus strand), TNFRSF6B (TNF receptor superfamily member 6b; plus strand). Cytogenetic location: 20q13.33.
Variant type: Microsatellite.
Coding change: c.625GAG[1] on transcript NM_003823.4 (MANE Select); one copy of the 3-base unit GAG starting at c.625; the reference has two copies in a row; one copy, 3 bases deleted.
Protein change: p.Glu210del; deletes glutamic acid 210.
Molecular consequence: non-coding transcript variant (on NR_037882.1).
Genome position (GRCh38, 1-based): chr20:63,698,288-63,698,290, GAG deleted; deleting any 3 consecutive bases within chr20:63,698,285-63,698,290 gives the same sequence; the position shown is the placement nearest the transcript's 3' end. VCF-style (leftmost placement, unchanged base first): chr20-63698284-TGAG-T. GRCh37 (hg19) VCF-style: chr20-62329637-TGAG-T.
Other names: short protein forms E210del.
Identifiers: ClinVar variation 3701316 (VCV003701316.2).

ClinVar aggregate classification (germline): Uncertain significance (1 of 4 stars; one submission).

Submission:

Labcorp Genetics (formerly Invitae), Labcorp
Classification: Uncertain significance. Last evaluated: 2025-01-20. Review status: criteria provided, single submitter. Criteria: Invitae Variant Classification Sherloc (09022015). Collection method: clinical testing. Allele origin: germline.
Comment: This variant, c.628_630del, results in the deletion of 1 amino acid(s) of the TNFRSF6B protein (p.Glu210del), but otherwise preserves the integrity of the reading frame. This variant is present in population databases (no rsID available, gnomAD 0.007%). This variant has not been reported in the literature in individuals affected with TNFRSF6B-related conditions. Experimental studies and prediction algorithms are not available or were not evaluated, and the functional significance of this variant is currently unknown. In summary, the available evidence is currently insufficient to determine the role of this variant in disease. Therefore, it has been classified as a Variant of Uncertain Significance.